The following is an entry in ClinVar:

NM_004336.5(BUB1):c.1235C>T (p.Thr412Ile)

Gene: BUB1 (BUB1 mitotic checkpoint serine/threonine kinase; minus strand). Cytogenetic location: 2q13.
Variant type: single nucleotide variant.
Coding change: c.1235C>T on transcript NM_004336.5 (MANE Select); coding-DNA position 1235, C replaced by T.
Protein change: p.Thr412Ile; replaces threonine 412 with isoleucine.
Molecular consequence: missense variant.
Genome position (GRCh38, 1-based): chr2:110,660,019, G>A on the plus strand (C>T on the coding strand, the complement: BUB1 is on the minus strand). VCF-style: chr2-110660019-G-A. GRCh37 (hg19) VCF-style: chr2-111417596-G-A.
Other names: c.1175C>T, p.Thr392Ile (NM_001278616.2); c.1235C>T, p.Thr412Ile (NM_001278617.2); short protein forms T392I, T412I.
Identifiers: ClinVar variation 3483032 (VCV003483032.1).
Genomic context (GRCh38, chr2:110,660,019, plus strand): 5'-TATTATAATTAAACATTACCTTCTTTGATCTCTGCTCCACTCTGTGGCTTGAATTCATGA[G>A]TACTCTTATTCACACATCTGGAAGAGAAAACTCTTGAGACACACTAGAGAATAAAATGCT-3'
Protein context (NP_004327.1, residues 402-422): SKDAGCVNKS[Thr412Ile]HEFKPQSGAE

ClinVar aggregate classification (germline): Uncertain significance (1 of 4 stars; one submission).

Submission:

Ambry Genetics
Classification: Uncertain significance. Last evaluated: 2024-08-04. Review status: criteria provided, single submitter. Criteria: Ambry Variant Classification Scheme 2023. Collection method: clinical testing. Allele origin: germline.
Comment: The p.T412I variant (also known as c.1235C>T), located in coding exon 11 of the BUB1 gene, results from a C to T substitution at nucleotide position 1235. The threonine at codon 412 is replaced by isoleucine, an amino acid with similar properties. This amino acid position is conserved. In addition, this alteration is predicted to be tolerated by in silico analysis. Based on the available evidence, the clinical significance of this variant remains unclear.